The following is an entry in ClinVar:

ClinVar aggregate classification (germline): Uncertain significance. Review status: criteria provided, multiple submitters, no conflicts (2 of 4 stars). 4 submissions from 4 submitters: Uncertain significance (3). 1 of the submissions does not count toward it. Last evaluated 2025-04-01.

Conditions:
Developmental delay and seizures with or without movement abnormalities. Identifiers: MedGen C4693376, MONDO:0044326, OMIM 617836.
Retinitis pigmentosa 59 (RP59). Identifiers: Orphanet 791, MedGen C3151227, MONDO:0013468, OMIM 613861.
Inborn genetic diseases. Identifiers: MedGen C0950123, MeSH D030342.

Allele frequency attached by ClinVar (database versions not stated): ExAC 0.00002; gnomAD 0.00003; ESP Exome Variant Server 0.00008; 1000 Genomes Project 0.00020; gnomAD exomes 0.00002; TOPMed 0.00003; 1000 Genomes Project 30x 0.00016.
gnomAD v4.1: 55 of 1,614,050 alleles (0.0034%); highest among the groups gnomAD compares: African/African-American, 0.0067%; no homozygotes.

Submissions (4):

Ambry Genetics
Classification: Uncertain significance for Inborn genetic diseases. Last evaluated: 2025-04-01. Review status: criteria provided, single submitter. Criteria: Ambry Variant Classification Scheme 2023. Collection method: clinical testing. Allele origin: germline.

Labcorp Genetics (formerly Invitae), Labcorp
Classification: Uncertain significance for Retinitis pigmentosa 59. Last evaluated: 2025-01-06. Review status: criteria provided, single submitter. Criteria: Invitae Variant Classification Sherloc (09022015). Collection method: clinical testing. Allele origin: germline.
Comment: This sequence change replaces arginine, which is basic and polar, with histidine, which is basic and polar, at codon 103 of the DHDDS protein (p.Arg103His). This variant is present in population databases (rs115712846, gnomAD 0.008%). This variant has not been reported in the literature in individuals affected with DHDDS-related conditions. ClinVar contains an entry for this variant (Variation ID: 1037882). Invitae Evidence Modeling of protein sequence and biophysical properties (such as structural, functional, and spatial information, amino acid conservation, physicochemical variation, residue mobility, and thermodynamic stability) indicates that this missense variant is not expected to disrupt DHDDS protein function with a negative predictive value of 80%. In summary, the available evidence is currently insufficient to determine the role of this variant in disease. Therefore, it has been classified as a Variant of Uncertain Significance.

Pittsburgh Clinical Genomics Laboratory, University of Pittsburgh Medical Center
Classification: Uncertain significance for Developmental delay and seizures with or without movement abnormalities. Last evaluated: 2024-06-25. Review status: criteria provided, single submitter. Criteria: ACMG Guidelines, 2015. Collection method: clinical testing. Allele origin: germline. Inheritance: Autosomal dominant inheritance. Affected: yes.
Comment: This sequence variant is a single nucleotide substitution (G>A) at position 308 of the coding sequence of the DHDDS gene that results in an arginine to histidine amino acid change at residue 103 of the dehydrodolichyl diphosphate synthase subunit protein. The 103 residue falls in the cis-PTase catalytic domain (UniProt). This is a previously reported variant (ClinVar 1037882) that has not been observed in an individual affected by a DHDDS-related disorder in the published literature, to our knowledge. This variant is present in 55 of 1614050 alleles (0.0034%) in the gnomAD v4.1.0 population dataset. Multiple bioinformatic tools predict that this amino acid change would be damaging, and the Arg103 residue at this position is highly conserved across the vertebrate species examined. Studies examining the functional consequence of this variant have not been published, to our knowledge. At this time, there is insufficient evidence to determine if this variant is pathogenic or benign. Therefore, we consider this a variant of uncertain significance. ACMG Criteria: PM2, PP3

Natera, Inc.
Classification: Uncertain significance for Retinitis pigmentosa type 59. Last evaluated: 2021-09-13. Review status: no assertion criteria provided. Collection method: clinical testing. Allele origin: germline. Not counted in ClinVar's aggregate classification.

NM_205861.3(DHDDS):c.308G>A (p.Arg103His)

Gene: DHDDS (dehydrodolichyl diphosphate synthase subunit; plus strand). Cytogenetic location: 1p36.11.
Variant type: single nucleotide variant.
Coding change: c.308G>A on transcript NM_205861.3 (MANE Select); coding-DNA position 308, G replaced by A.
Protein change: p.Arg103His; replaces arginine 103 with histidine.
Molecular consequence: missense variant.
Genome position (GRCh38, 1-based): chr1:26,442,858, G>A. VCF-style: chr1-26442858-G-A. GRCh37 (hg19) VCF-style: chr1-26769349-G-A.
Other names: c.308G>A, p.Arg103His (NM_001243564.2, NM_001243565.2, NM_024887.4); c.29G>A, p.Arg10His (NM_001319959.2); c.308G>A (NM_024887.3); short protein forms R103H, R10H.
Identifiers: ClinVar variation 1037882 (VCV001037882.8), dbSNP rs115712846, ClinGen allele CA705292.